The following is an entry in ClinVar:

ClinVar aggregate classification (germline): Uncertain significance (1 of 4 stars; one submission).

Submission:

Labcorp Genetics (formerly Invitae), Labcorp
Classification: Uncertain significance. Last evaluated: 2026-01-26. Review status: criteria provided, single submitter. Criteria: Invitae Variant Classification Sherloc (09022015). Collection method: clinical testing. Allele origin: germline.
Comment: This sequence change falls in intron 7 of the LZTR1 gene. It does not directly change the encoded amino acid sequence of the LZTR1 protein. This variant is not present in population databases (gnomAD no frequency). This variant has not been reported in the literature in individuals affected with LZTR1-related conditions. Experimental studies and prediction algorithms are not available or were not evaluated, and the effect of this variant on mRNA splicing is currently unknown. In summary, the available evidence is currently insufficient to determine the role of this variant in disease. Therefore, it has been classified as a Variant of Uncertain Significance.

NM_006767.4(LZTR1):c.651+23_651+24insTGCAGGTGGAGGAGGTGAGGGGCATGGGGAGCCAGGGTGCAGGTGGAGGAGGTGAGGGGCGTGGGGAGCCAGGG

Gene: LZTR1 (leucine zipper like post translational regulator 1; plus strand). Cytogenetic location: 22q11.21.
Variant type: Microsatellite.
Coding change: c.651+23_651+24insTGCAGGTGGAGGAGGTGAGGGGCATGGGGAGCCAGGGTGCAGGTGGAGGAGGTGAGGGGCGTGGGGAGCCAGGG on transcript NM_006767.4 (MANE Select); bases 23 to 24 of the intron after coding-DNA position 651, TGCAGGTGGAGGAGGTGAGGGGCATGGGGAGCCAGGGTGCAGGTGGAGGAGGTGAGGGGCGTGGGGAGCCAGGG inserted.
Molecular consequence: splice donor variant.
Genome position: GRCh38: chr22:20,989,676-20,989,705. GRCh37 (hg19): chr22:21,343,965-21,343,994.
Identifiers: ClinVar variation 1449584 (VCV001449584.8).